The following is an entry in ClinVar:

ClinVar aggregate classification (germline): Pathogenic (1 of 4 stars; one submission).

Conditions:
Duchenne muscular dystrophy (DMD). Also called: Duchenne Muscular Dystrophy (DMD); MUSCULAR DYSTROPHY, PSEUDOHYPERTROPHIC PROGRESSIVE, DUCHENNE TYPE. Identifiers: Orphanet 98896, MedGen C0013264, MONDO:0010679, OMIM 310200.

Submission:

Labcorp Genetics (formerly Invitae), Labcorp
Classification: Pathogenic for Duchenne muscular dystrophy. Last evaluated: 2022-06-19. Review status: criteria provided, single submitter. Criteria: Invitae Variant Classification Sherloc (09022015). Collection method: clinical testing. Allele origin: germline.
Comment: For these reasons, this variant has been classified as Pathogenic. A similar copy number variant has been observed in individual(s) with DMD-related conditions (PMID: 17259292, 23299919). In at least one individual the variant was observed to be de novo. This variant results in a copy number gain of the genomic region encompassing exon(s) 3-17 of the DMD gene. While the exact position of this variant cannot be determined from the data, sub-genic copy number gains are generally in tandem (PMID: 25640679). This variant is predicted to be out-of-frame, and may result in an absent or disrupted protein product. Loss-of-function variants in DMD are known to be pathogenic (PMID: 16770791, 25007885).

Literature cited by the submitters: PubMed 17259292; PubMed 23299919; PubMed 25640679; PubMed 16770791; PubMed 25007885.

NC_000023.10:g.(?_32563256)_(32867957_?)dup

Gene: DMD (dystrophin; minus strand). Cytogenetic location: Xp21.1.
Variant type: Duplication.
Identifiers: ClinVar variation 2424963 (VCV002424963.5).